The following is an entry in ClinVar:

NM_012469.4(PRPF6):c.341A>G (p.Glu114Gly)

Gene: PRPF6 (pre-mRNA processing factor 6; plus strand). Cytogenetic location: 20q13.33.
Variant type: single nucleotide variant.
Coding change: c.341A>G on transcript NM_012469.4 (MANE Select); coding-DNA position 341, A replaced by G.
Protein change: p.Glu114Gly; replaces glutamic acid 114 with glycine.
Molecular consequence: missense variant.
Genome position (GRCh38, 1-based): chr20:63,985,007, A>G. VCF-style: chr20-63985007-A-G. GRCh37 (hg19) VCF-style: chr20-62616360-A-G.
Other names: short protein forms E114G.
Identifiers: ClinVar variation 1480227 (VCV001480227.8), dbSNP rs1439311273, ClinGen allele CA409798389.

ClinVar aggregate classification (germline): Uncertain significance (1 of 4 stars; one submission).

Allele frequency attached by ClinVar (database versions not stated): gnomAD exomes below 0.00001; TOPMed below 0.00001; gnomAD 0.00002.
gnomAD v4.1: 8 of 1,612,498 alleles (0.0005%); highest among the groups gnomAD compares: African/African-American, 0.0013%; no homozygotes.

Submission:

Labcorp Genetics (formerly Invitae), Labcorp
Classification: Uncertain significance. Last evaluated: 2022-10-13. Review status: criteria provided, single submitter. Criteria: Invitae Variant Classification Sherloc (09022015). Collection method: clinical testing. Allele origin: germline.
Comment: In summary, the available evidence is currently insufficient to determine the role of this variant in disease. Therefore, it has been classified as a Variant of Uncertain Significance. Advanced modeling of protein sequence and biophysical properties (such as structural, functional, and spatial information, amino acid conservation, physicochemical variation, residue mobility, and thermodynamic stability) performed at Invitae indicates that this missense variant is not expected to disrupt PRPF6 protein function. ClinVar contains an entry for this variant (Variation ID: 1480227). This variant has not been reported in the literature in individuals affected with PRPF6-related conditions. This variant is present in population databases (no rsID available, gnomAD 0.01%). This sequence change replaces glutamic acid, which is acidic and polar, with glycine, which is neutral and non-polar, at codon 114 of the PRPF6 protein (p.Glu114Gly).